The following is an entry in ClinVar:

NM_177438.3(DICER1):c.4266G>T (p.Glu1422Asp)

Gene: DICER1 (dicer 1, ribonuclease III; minus strand). Cytogenetic location: 14q32.13.
Variant type: single nucleotide variant.
Coding change: c.4266G>T on transcript NM_177438.3 (MANE Select); coding-DNA position 4266, G replaced by T.
Protein change: p.Glu1422Asp; replaces glutamic acid 1422 with aspartic acid.
Molecular consequence: missense variant.
Genome position (GRCh38, 1-based): chr14:95,096,654, C>A on the plus strand (G>T on the coding strand, the complement: DICER1 is on the minus strand). VCF-style: chr14-95096654-C-A. GRCh37 (hg19) VCF-style: chr14-95562991-C-A.
Other names: c.4266G>T, p.Glu1422Asp (NM_001195573.1, NM_001271282.3, NM_001291628.2 and 1 more transcripts); short protein forms E1422D.
Identifiers: ClinVar variation 477197 (VCV000477197.14), dbSNP rs746164022, ClinGen allele CA7330865.

ClinVar aggregate classification (germline): Conflicting classifications of pathogenicity. Review status: criteria provided, conflicting classifications (1 of 4 stars). 2 submissions from 2 submitters: Uncertain significance (1); Likely benign (1). Last evaluated 2025-10-01.

Conditions:
DICER1-related tumor predisposition. Also called: DICER1-related pleuropulmonary blastoma cancer predisposition syndrome; DICER1 syndrome. Identifiers: Orphanet 284343, MedGen C3839822, MONDO:0100216.
Hereditary cancer-predisposing syndrome. Also called: Tumor predisposition; Neoplastic Syndromes, Hereditary; Hereditary Cancer Syndrome; Hereditary neoplastic syndrome. Identifiers: Orphanet 140162, MedGen C0027672, MeSH D009386, MONDO:0015356.

Allele frequency attached by ClinVar (database versions not stated): ExAC 0.00001.

Submissions (2):

Labcorp Genetics (formerly Invitae), Labcorp
Classification: Uncertain significance for DICER1-related tumor predisposition. Last evaluated: 2025-10-01. Review status: criteria provided, single submitter. Criteria: Invitae Variant Classification Sherloc (09022015). Collection method: clinical testing. Allele origin: germline.
Comment: This sequence change replaces glutamic acid, which is acidic and polar, with aspartic acid, which is acidic and polar, at codon 1422 of the DICER1 protein (p.Glu1422Asp). This variant is not present in population databases (gnomAD no frequency). This variant has not been reported in the literature in individuals affected with DICER1-related conditions. ClinVar contains an entry for this variant (Variation ID: 477197). Invitae Evidence Modeling of protein sequence and biophysical properties (such as structural, functional, and spatial information, amino acid conservation, physicochemical variation, residue mobility, and thermodynamic stability) indicates that this missense variant is not expected to disrupt DICER1 protein function with a negative predictive value of 95%. In summary, the available evidence is currently insufficient to determine the role of this variant in disease. Therefore, it has been classified as a Variant of Uncertain Significance.

Ambry Genetics
Classification: Likely benign for Hereditary cancer-predisposing syndrome. Last evaluated: 2024-01-31. Review status: criteria provided, single submitter. Criteria: Ambry Variant Classification Scheme 2023. Collection method: clinical testing. Allele origin: germline.